The following is an entry in ClinVar:

NM_004064.5(CDKN1B):c.281C>A (p.Pro94His)

Gene: CDKN1B (cyclin dependent kinase inhibitor 1B; plus strand). Cytogenetic location: 12p13.1.
Variant type: single nucleotide variant.
Coding change: c.281C>A on transcript NM_004064.5 (MANE Select); coding-DNA position 281, C replaced by A.
Protein change: p.Pro94His; replaces proline 94 with histidine.
Molecular consequence: missense variant.
Genome position (GRCh38, 1-based): chr12:12,718,120, C>A. VCF-style: chr12-12718120-C-A. GRCh37 (hg19) VCF-style: chr12-12871054-C-A.
Other names: c.281C>A (NM_004064.3); short protein forms P94H.
Identifiers: ClinVar variation 858541 (VCV000858541.10), dbSNP rs757917082, ClinGen allele CA6457444.

ClinVar aggregate classification (germline): Uncertain significance. Review status: criteria provided, multiple submitters, no conflicts (2 of 4 stars). 2 submissions from 2 submitters: Uncertain significance (2). Last evaluated 2025-05-01.

Conditions:
Multiple endocrine neoplasia type 4. Also called: MULTIPLE ENDOCRINE NEOPLASIA, TYPE IV. Identifiers: Orphanet 276152, MedGen C1970712, MONDO:0012552, OMIM 610755.
Hereditary cancer-predisposing syndrome. Also called: Hereditary neoplastic syndrome; Tumor predisposition; Neoplastic Syndromes, Hereditary; Hereditary Cancer Syndrome. Identifiers: Orphanet 140162, MedGen C0027672, MeSH D009386, MONDO:0015356.

Submissions (2):

Ambry Genetics
Classification: Uncertain significance for Hereditary cancer-predisposing syndrome. Last evaluated: 2025-05-01. Review status: criteria provided, single submitter. Criteria: Ambry Variant Classification Scheme 2023. Collection method: clinical testing. Allele origin: germline.
Comment: The p.P94H variant (also known as c.281C>A), located in coding exon 1 of the CDKN1B gene, results from a C to A substitution at nucleotide position 281. The proline at codon 94 is replaced by histidine, an amino acid with similar properties. This amino acid position is conserved. In addition, this alteration is predicted to be tolerated by in silico analysis. Based on the available evidence, the clinical significance of this variant remains unclear.

Labcorp Genetics (formerly Invitae), Labcorp
Classification: Uncertain significance for Multiple endocrine neoplasia type 4. Last evaluated: 2021-08-12. Review status: criteria provided, single submitter. Criteria: Invitae Variant Classification Sherloc (09022015). Collection method: clinical testing. Allele origin: germline.
Comment: This variant is present in population databases (rs757917082, ExAC 0.002%). This sequence change replaces proline with histidine at codon 94 of the CDKN1B protein (p.Pro94His). The proline residue is highly conserved and there is a moderate physicochemical difference between proline and histidine. This variant has not been reported in the literature in individuals with CDKN1B-related conditions. In summary, the available evidence is currently insufficient to determine the role of this variant in disease. Therefore, it has been classified as a Variant of Uncertain Significance. Algorithms developed to predict the effect of missense changes on protein structure and function are either unavailable or do not agree on the potential impact of this missense change (SIFT: "Deleterious"; PolyPhen-2: "Possibly Damaging"; Align-GVGD: "Class C0").